The following is an entry in ClinVar:

NM_000282.4(PCCA):c.778A>C (p.Ile260Leu)

Gene: PCCA (propionyl-CoA carboxylase subunit alpha; plus strand). Cytogenetic location: 13q32.3.
Variant type: single nucleotide variant.
Coding change: c.778A>C on transcript NM_000282.4 (MANE Select); coding-DNA position 778, A replaced by C.
Protein change: p.Ile260Leu; replaces isoleucine 260 with leucine.
Molecular consequence: missense variant. On other transcripts: 5 prime UTR variant (3), non-coding transcript variant (5).
Genome position (GRCh38, 1-based): chr13:100,262,790, A>C. VCF-style: chr13-100262790-A-C. GRCh37 (hg19) VCF-style: chr13-100915044-A-C.
Other names: c.700A>C, p.Ile234Leu (NM_001127692.3, NM_001352607.2, NM_001352608.2); c.778A>C, p.Ile260Leu (NM_001178004.2, NM_001352605.2, NM_001352606.2 and 1 more transcripts); c.-168A>C (NM_001352610.2, NM_001352611.2, NM_001352612.2); short protein forms I260L, I234L.
Identifiers: ClinVar variation 310845 (VCV000310845.6), dbSNP rs769286299, ClinGen allele CA7033379.
Genomic context (GRCh38, chr13:100,262,790, plus strand): 5'-GATGGTTTTAGATTGTCATCTCAAGAAGCTGCTTCTAGTTTTGGCGATGATAGACTACTA[A>C]TAGAAAAATTTATTGATAATCCTCGTCATATAGAAATCCAGGTTGGTACATTTAAGATGC-3'
Protein context (NP_000273.2, residues 250-270): ASSFGDDRLL[Ile260Leu]EKFIDNPRHI

ClinVar aggregate classification (germline): Uncertain significance. Review status: criteria provided, multiple submitters, no conflicts (2 of 4 stars). 2 submissions from 2 submitters: Uncertain significance (2). Last evaluated 2022-08-20.

Conditions:
Propionic acidemia (PROP). Also called: GLYCINEMIA, KETOTIC; HYPERGLYCINEMIA WITH KETOACIDOSIS AND LEUKOPENIA; KETOTIC HYPERGLYCINEMIA. Identifiers: Orphanet 35, MedGen C0268579, MONDO:0011628, OMIM 606054, HP:0003571.

Allele frequency attached by ClinVar (database versions not stated): gnomAD 0.00001; gnomAD exomes 0.00001; TOPMed 0.00001; ExAC 0.00002.
gnomAD v4.1: 11 of 1,570,832 alleles (0.0007%); highest among the groups gnomAD compares: Non-Finnish European, 0.00096%; no homozygotes.

Submissions (2):

Labcorp Genetics (formerly Invitae), Labcorp
Classification: Uncertain significance for Propionic acidemia. Last evaluated: 2022-08-20. Review status: criteria provided, single submitter. Criteria: Invitae Variant Classification Sherloc (09022015). Collection method: clinical testing. Allele origin: germline.
Comment: This sequence change replaces isoleucine, which is neutral and non-polar, with leucine, which is neutral and non-polar, at codon 260 of the PCCA protein (p.Ile260Leu). This variant is present in population databases (rs769286299, gnomAD 0.003%). This variant has not been reported in the literature in individuals affected with PCCA-related conditions. ClinVar contains an entry for this variant (Variation ID: 310845). Advanced modeling of protein sequence and biophysical properties (such as structural, functional, and spatial information, amino acid conservation, physicochemical variation, residue mobility, and thermodynamic stability) performed at Invitae indicates that this missense variant is not expected to disrupt PCCA protein function. In summary, the available evidence is currently insufficient to determine the role of this variant in disease. Therefore, it has been classified as a Variant of Uncertain Significance.

Illumina Laboratory Services, Illumina
Classification: Uncertain significance for Propionic acidemia. Last evaluated: 2018-01-13. Review status: criteria provided, single submitter. Criteria: ICSL Variant Classification Criteria 13 December 2019. Collection method: clinical testing. Allele origin: germline.